The following is an entry in ClinVar:

ClinVar aggregate classification (germline): Likely benign (1 of 4 stars; one submission).

Allele frequency attached by ClinVar (database versions not stated): 1000 Genomes Project 0.00080; gnomAD exomes 0.00088; ExAC 0.00093; 1000 Genomes Project 30x 0.00094; ESP Exome Variant Server 0.00126; TOPMed 0.00128.
gnomAD v4.1: 1,522 of 1,606,714 alleles (0.095%); highest among the groups gnomAD compares: Admixed American, 0.22%; 5 homozygotes.

Submission:

CeGaT Center for Human Genetics Tuebingen
Classification: Likely benign. Last evaluated: 2023-03-01. Review status: criteria provided, single submitter. Criteria: CeGaT Center For Human Genetics Tuebingen Variant Classification Criteria Version 2. Collection method: clinical testing. Allele origin: germline. Affected: yes. Observed: 1 variant allele.
Comment: ECSIT: BP4, BP7

NM_016581.5(ECSIT):c.1275A>C (p.Arg425=)

Gene: ECSIT (ECSIT signaling integrator; minus strand). Cytogenetic location: 19p13.2.
Variant type: single nucleotide variant.
Coding change: c.1275A>C on transcript NM_016581.5 (MANE Select); coding-DNA position 1275, A replaced by C.
Protein change: p.Arg425=; no amino-acid change (arginine 425 retained).
Molecular consequence: synonymous variant. On other transcripts: 3 prime UTR variant (2).
Genome position (GRCh38, 1-based): chr19:11,506,205, T>G on the plus strand (A>C on the coding strand, the complement: ECSIT is on the minus strand). VCF-style: chr19-11506205-T-G. GRCh37 (hg19) VCF-style: chr19-11617020-T-G.
Other names: c.*235A>C (NM_001142464.3); c.633A>C, p.Arg211= (NM_001142465.3); c.*263A>C (NM_001243204.2).
Identifiers: ClinVar variation 2649333 (VCV002649333.24), dbSNP rs34645543, ClinGen allele CA9214362.